The following is an entry in ClinVar:

NM_004329.3(BMPR1A):c.1105C>T (p.Leu369Phe)

Gene: BMPR1A (bone morphogenetic protein receptor type 1A; plus strand). Cytogenetic location: 10q23.2.
Variant type: single nucleotide variant.
Coding change: c.1105C>T on transcript NM_004329.3 (MANE Select); coding-DNA position 1105, C replaced by T.
Protein change: p.Leu369Phe; replaces leucine 369 with phenylalanine.
Molecular consequence: missense variant.
Genome position (GRCh38, 1-based): chr10:86,919,408, C>T. VCF-style: chr10-86919408-C-T. GRCh37 (hg19) VCF-style: chr10-88679165-C-T.
Other names: short protein forms L369F.
Identifiers: ClinVar variation 1363969 (VCV001363969.12), dbSNP rs1843628076, ClinGen allele CA377460895.
Genomic context (GRCh38, chr10:86,919,408, plus strand): 5'-ATTTATGGCACCCAAGGAAAGCCCGCAATTGCTCATCGAGACCTAAAGAGCAAAAACATC[C>T]TCATCAAGAAAAATGGGAGTTGCTGCATTGCTGACCTGGGCCTTGCTGTTAAATTCAACA-3'
Protein context (NP_004320.2, residues 359-379): AHRDLKSKNI[Leu369Phe]IKKNGSCCIA

ClinVar aggregate classification (germline): Uncertain significance. Review status: criteria provided, multiple submitters, no conflicts (2 of 4 stars). 2 submissions from 2 submitters: Uncertain significance (2). Last evaluated 2026-04-15.

Conditions:
Juvenile polyposis syndrome (JPS). Identifiers: Orphanet 2929, MedGen C0345893, MONDO:0017380, OMIM 174900.
Hereditary cancer-predisposing syndrome. Also called: Neoplastic Syndromes, Hereditary; Tumor predisposition; Hereditary Cancer Syndrome; Hereditary neoplastic syndrome. Identifiers: Orphanet 140162, MedGen C0027672, MeSH D009386, MONDO:0015356.

Submissions (2):

Ambry Genetics
Classification: Uncertain significance for Hereditary cancer-predisposing syndrome. Last evaluated: 2026-04-15. Review status: criteria provided, single submitter. Criteria: Ambry Variant Classification Scheme 2023. Collection method: clinical testing. Allele origin: germline.
Comment: The p.L369F variant (also known as c.1105C>T), located in coding exon 8 of the BMPR1A gene, results from a C to T substitution at nucleotide position 1105. The leucine at codon 369 is replaced by phenylalanine, an amino acid with highly similar properties. This amino acid position is highly conserved in available vertebrate species. In addition, this alteration is predicted to be deleterious by in silico analysis. Based on the available evidence, the clinical significance of this variant remains unclear.

Labcorp Genetics (formerly Invitae), Labcorp
Classification: Uncertain significance for Juvenile polyposis syndrome. Last evaluated: 2023-04-16. Review status: criteria provided, single submitter. Criteria: Invitae Variant Classification Sherloc (09022015). Collection method: clinical testing. Allele origin: germline.
Comment: In summary, the available evidence is currently insufficient to determine the role of this variant in disease. Therefore, it has been classified as a Variant of Uncertain Significance. Advanced modeling of protein sequence and biophysical properties (such as structural, functional, and spatial information, amino acid conservation, physicochemical variation, residue mobility, and thermodynamic stability) has been performed at Invitae for this missense variant, however the output from this modeling did not meet the statistical confidence thresholds required to predict the impact of this variant on BMPR1A protein function. ClinVar contains an entry for this variant (Variation ID: 1363969). This variant has not been reported in the literature in individuals affected with BMPR1A-related conditions. This variant is not present in population databases (gnomAD no frequency). This sequence change replaces leucine, which is neutral and non-polar, with phenylalanine, which is neutral and non-polar, at codon 369 of the BMPR1A protein (p.Leu369Phe).